The following is an entry in ClinVar:

ClinVar aggregate classification (germline): Likely benign. Review status: criteria provided, single submitter (1 of 4 stars). 2 submissions from 2 submitters: Likely benign (1). 1 of the submissions does not count toward it. Last evaluated 2025-10-24.

Conditions:
PLXNA4-related disorder. Also called: PLXNA4-related condition.

gnomAD v4.1: 87 of 1,613,986 alleles (0.0054%); highest among the groups gnomAD compares: Non-Finnish European, 0.0074%; no homozygotes.

Submissions (2):

Ambry Genetics
Classification: Likely benign. Last evaluated: 2025-10-24. Review status: criteria provided, single submitter. Criteria: Ambry Variant Classification Scheme 2023. Collection method: clinical testing. Allele origin: germline.

PreventionGenetics, part of Exact Sciences
Classification: Likely benign for PLXNA4-related condition. Last evaluated: 2023-07-22. Review status: no assertion criteria provided. Collection method: clinical testing. Allele origin: germline. Not counted in ClinVar's aggregate classification.
Comment: This variant is classified as likely benign based on ACMG/AMP sequence variant interpretation guidelines (Richards et al. 2015 PMID: 25741868, with internal and published modifications).

NM_020911.2(PLXNA4):c.1605T>G (p.Thr535=)

Gene: PLXNA4 (plexin A4; minus strand). Cytogenetic location: 7q32.3.
Variant type: single nucleotide variant.
Coding change: c.1605T>G on transcript NM_020911.2 (MANE Select); coding-DNA position 1605, T replaced by G.
Protein change: p.Thr535=; no amino-acid change (threonine 535 retained).
Molecular consequence: synonymous variant.
Genome position (GRCh38, 1-based): chr7:132,228,469, A>C on the plus strand (T>G on the coding strand, the complement: PLXNA4 is on the minus strand). VCF-style: chr7-132228469-A-C. GRCh37 (hg19) VCF-style: chr7-131913228-A-C.
Other names: c.1605T>G, p.Thr535= (NM_001393897.1).
Identifiers: ClinVar variation 3030370 (VCV003030370.3), dbSNP rs752577095, ClinGen allele CA4490073.